The following is an entry in ClinVar:

ClinVar aggregate classification (germline): Uncertain significance (0 of 4 stars; one submission).

Conditions:
HNRNPH1-related disorder. Also called: HNRNPH1-related condition.

Allele frequency attached by ClinVar (database versions not stated): gnomAD exomes below 0.00001.
gnomAD v4.1: 1 of 1,613,898 alleles (0.000062%); highest among the groups gnomAD compares: Non-Finnish European, 0.000085%; no homozygotes.

Submission:

PreventionGenetics, part of Exact Sciences
Classification: Uncertain significance for HNRNPH1-related condition. Last evaluated: 2024-02-08. Review status: no assertion criteria provided. Collection method: clinical testing. Allele origin: germline.
Comment: The HNRNPH1 c.898G>A variant is predicted to result in the amino acid substitution p.Ala300Thr. To our knowledge, this variant has not been reported in the literature or in a large population database, indicating this variant is rare. At this time, the clinical significance of this variant is uncertain due to the absence of conclusive functional and genetic evidence.

NM_001257293.2(HNRNPH1):c.898G>A (p.Ala300Thr)

Genes: HNRNPH1 (heterogeneous nuclear ribonucleoprotein H1; minus strand), LOC128966623 (uncharacterized LOC128966623; plus strand). Cytogenetic location: 5q35.3.
Variant type: single nucleotide variant.
Coding change: c.898G>A on transcript NM_001257293.2 (MANE Select); coding-DNA position 898, G replaced by A.
Protein change: p.Ala300Thr; replaces alanine 300 with threonine.
Molecular consequence: missense variant.
Genome position (GRCh38, 1-based): chr5:179,617,822, C>T on the plus strand (G>A on the coding strand, the complement: HNRNPH1 is on the minus strand). VCF-style: chr5-179617822-C-T. GRCh37 (hg19) VCF-style: chr5-179044823-C-T.
Other names: c.898G>A, p.Ala300Thr (NM_001363572.2, NM_001364225.2, NM_001364226.2 and 27 more transcripts); c.877G>A, p.Ala293Thr (NM_001364240.2, NM_001364241.2, NM_001364242.2 and 6 more transcripts); c.742G>A, p.Ala248Thr (NM_001364250.2); c.295G>A, p.Ala99Thr (NM_001364251.2, NM_001364252.2, NM_001364253.2 and 4 more transcripts); c.667G>A, p.Ala223Thr (NM_001395190.1); c.580G>A, p.Ala194Thr (NM_001395191.1, NM_001395192.1); c.487G>A, p.Ala163Thr (NM_001395193.1); short protein forms A163T, A194T, A223T, A248T, A293T, A300T, A99T.
Identifiers: ClinVar variation 3039891 (VCV003039891.2), dbSNP rs2532679270, ClinGen allele CA362437744.
Genomic context (GRCh38, chr5:179,617,822, plus strand): 5'-ACTGAAATATTGACTTGTGAGTTCATCTCACACTTACATTATAAATGTCATTCTCAGTAG[C>T]TCTGTAAGGTAATCCCCGCATGTGTACACAGTGTCCTGTTGTGCTCTGGAAAGTAGAGCC-3'
Protein context (NP_001244222.1, residues 290-310): CVHMRGLPYR[Ala300Thr]TENDIYNFFS